The following is an entry in ClinVar:

NM_001211.6(BUB1B):c.308A>G (p.Glu103Gly)

Gene: BUB1B (BUB1 mitotic checkpoint serine/threonine kinase B; plus strand). Cytogenetic location: 15q15.1.
Variant type: single nucleotide variant.
Coding change: c.308A>G on transcript NM_001211.6 (MANE Select); coding-DNA position 308, A replaced by G.
Protein change: p.Glu103Gly; replaces glutamic acid 103 with glycine.
Molecular consequence: missense variant.
Genome position (GRCh38, 1-based): chr15:40,170,605, A>G. VCF-style: chr15-40170605-A-G. GRCh37 (hg19) VCF-style: chr15-40462806-A-G.
Other names: short protein forms E103G.
Identifiers: ClinVar variation 4868004 (VCV004868004.1).

ClinVar aggregate classification (germline): Uncertain significance (1 of 4 stars; one submission).

Conditions:
Inborn genetic diseases. Identifiers: MedGen C0950123, MeSH D030342.

gnomAD v4.1: 1 of 1,613,196 alleles (0.000062%); highest among the groups gnomAD compares: Non-Finnish European, 0.000085%; no homozygotes.

Submission:

Ambry Genetics
Classification: Uncertain significance for Inborn genetic diseases. Last evaluated: 2026-05-01. Review status: criteria provided, single submitter. Criteria: Ambry Variant Classification Scheme 2023. Collection method: clinical testing. Allele origin: germline.
Comment: The p.E103G variant (also known as c.308A>G), located in coding exon 4 of the BUB1B gene, results from an A to G substitution at nucleotide position 308. The glutamic acid at codon 103 is replaced by glycine, an amino acid with similar properties. This amino acid position is conserved. In addition, this alteration is predicted to be deleterious by in silico analysis. Based on the available evidence, the clinical significance of this variant remains unclear.